The following is an entry in ClinVar:

ClinVar aggregate classification (germline): Uncertain significance (1 of 4 stars; one submission).

Conditions:
Ataxia-telangiectasia syndrome (AT). Also called: Ataxia-telangiectasia, complementation group D; AT, COMPLEMENTATION GROUP C; Cerebello-oculocutaneous telangiectasia; Immunodeficiency with ataxia telangiectasia; Ataxia-telangiectasia, complementation group E; LOUIS-BAR SYNDROME. Identifiers: Orphanet 100, MedGen C0004135, MONDO:0008840, OMIM 208900.

Submission:

Labcorp Genetics (formerly Invitae), Labcorp
Classification: Uncertain significance for Ataxia-telangiectasia syndrome. Last evaluated: 2021-03-21. Review status: criteria provided, single submitter. Criteria: Invitae Variant Classification Sherloc (09022015). Collection method: clinical testing. Allele origin: germline.
Comment: In summary, the available evidence is currently insufficient to determine the role of this variant in disease. Therefore, it has been classified as a Variant of Uncertain Significance. Advanced modeling of protein sequence and biophysical properties (such as structural, functional, and spatial information, amino acid conservation, physicochemical variation, residue mobility, and thermodynamic stability) performed at Invitae indicates that this missense variant is not expected to disrupt ATM protein function. This variant has not been reported in the literature in individuals with ATM-related conditions. This variant is not present in population databases (ExAC no frequency). This sequence change replaces serine with arginine at codon 1499 of the ATM protein (p.Ser1499Arg). The serine residue is moderately conserved and there is a moderate physicochemical difference between serine and arginine.

NM_000051.4(ATM):c.4495A>C (p.Ser1499Arg)

Gene: ATM (ATM serine/threonine kinase; plus strand). Cytogenetic location: 11q22.3.
Variant type: single nucleotide variant.
Coding change: c.4495A>C on transcript NM_000051.4 (MANE Select); coding-DNA position 4495, A replaced by C.
Protein change: p.Ser1499Arg; replaces serine 1499 with arginine.
Molecular consequence: missense variant.
Genome position (GRCh38, 1-based): chr11:108,292,677, A>C. VCF-style: chr11-108292677-A-C. GRCh37 (hg19) VCF-style: chr11-108163404-A-C.
Other names: c.4495A>C, p.Ser1499Arg (NM_001351834.2); short protein forms S1499R.
Identifiers: ClinVar variation 1460640 (VCV001460640.8), dbSNP rs2135799018, ClinGen allele CA382533396.
Genomic context (GRCh38, chr11:108,292,677, plus strand): 5'-AGGCCTTCTTGTATCATGGATGTGTCATTACGTAGCTTCTCCCTTTGTTGTGACTTATTA[A>C]GTCAGGTTTGCCAGACAGCCGTGACTTACTGTAAGGATGCTCTAGAAAACCATCTTCATG-3'
Protein context (NP_000042.3, residues 1489-1509): RSFSLCCDLL[Ser1499Arg]QVCQTAVTYC